The following is an entry in ClinVar:

ClinVar aggregate classification (germline): Uncertain significance (1 of 4 stars; one submission).

Conditions:
Hereditary cancer-predisposing syndrome. Also called: Neoplastic Syndromes, Hereditary; Tumor predisposition; Hereditary neoplastic syndrome; Hereditary Cancer Syndrome. Identifiers: Orphanet 140162, MedGen C0027672, MeSH D009386, MONDO:0015356.

Submission:

Ambry Genetics
Classification: Uncertain significance for Hereditary cancer-predisposing syndrome. Last evaluated: 2024-02-23. Review status: criteria provided, single submitter. Criteria: Ambry Variant Classification Scheme 2023. Collection method: clinical testing. Allele origin: germline.
Comment: The p.R1312K variant (also known as c.3935G>A), located in coding exon 25 of the ATM gene, results from a G to A substitution at nucleotide position 3935. The arginine at codon 1312 is replaced by lysine, an amino acid with highly similar properties. This amino acid position is conserved. In addition, the in silico prediction for this alteration is inconclusive. Based on the available evidence, the clinical significance of this alteration remains unclear.

NM_000051.4(ATM):c.3935G>A (p.Arg1312Lys)

Gene: ATM (ATM serine/threonine kinase; plus strand). Cytogenetic location: 11q22.3.
Variant type: single nucleotide variant.
Coding change: c.3935G>A on transcript NM_000051.4 (MANE Select); coding-DNA position 3935, G replaced by A.
Protein change: p.Arg1312Lys; replaces arginine 1312 with lysine.
Molecular consequence: missense variant.
Genome position (GRCh38, 1-based): chr11:108,284,415, G>A. VCF-style: chr11-108284415-G-A. GRCh37 (hg19) VCF-style: chr11-108155142-G-A.
Other names: c.3935G>A, p.Arg1312Lys (NM_001351834.2); short protein forms R1312K.
Identifiers: ClinVar variation 3233210 (VCV003233210.1), dbSNP rs2135708860, ClinGen allele CA382525914.